The following is an entry in ClinVar:

ClinVar aggregate classification (germline): Uncertain significance (1 of 4 stars; one submission).

Conditions:
Cardiovascular phenotype. Identifiers: MedGen CN230736.

Submission:

Ambry Genetics
Classification: Uncertain significance for Cardiovascular phenotype. Last evaluated: 2023-07-23. Review status: criteria provided, single submitter. Criteria: Ambry Variant Classification Scheme 2023. Collection method: clinical testing. Allele origin: germline.
Comment: The p.T948S variant (also known as c.2842A>T), located in coding exon 6 of the TNXB gene, results from an A to T substitution at nucleotide position 2842. The threonine at codon 948 is replaced by serine, an amino acid with similar properties. This amino acid position is conserved. In addition, this alteration is predicted to be tolerated by in silico analysis. Since supporting evidence is limited at this time, the clinical significance of this alteration remains unclear.

NM_001365276.2(TNXB):c.2842A>T (p.Thr948Ser)

Gene: TNXB (tenascin XB; minus strand). Cytogenetic location: 6p21.33.
Variant type: single nucleotide variant.
Coding change: c.2842A>T on transcript NM_001365276.2 (MANE Select); coding-DNA position 2842, A replaced by T.
Protein change: p.Thr948Ser; replaces threonine 948 with serine.
Molecular consequence: missense variant.
Genome position (GRCh38, 1-based): chr6:32,086,056, T>A on the plus strand (A>T on the coding strand, the complement: TNXB is on the minus strand). VCF-style: chr6-32086056-T-A. GRCh37 (hg19) VCF-style: chr6-32053833-T-A.
Other names: c.2842A>T, p.Thr948Ser (NM_019105.8); short protein forms T948S.
Identifiers: ClinVar variation 2624727 (VCV002624727.2), dbSNP rs2483702841, ClinGen allele CA363450652.